The following is an entry in ClinVar:

NM_000789.4(ACE):c.3281+1del

Gene: ACE (angiotensin I converting enzyme; plus strand). Cytogenetic location: 17q23.3.
Variant type: Deletion.
Coding change: c.3281+1del on transcript NM_000789.4 (MANE Select); the canonical splice donor site of the intron after coding-DNA position 3281, one base deleted (G; older notation c.3281+1delG).
Molecular consequence: splice donor variant.
Genome position (GRCh38, 1-based): chr17:63,494,067, G deleted; the last of 2 consecutive G bases (chr17:63,494,066-63,494,067); deleting either gives the same sequence. VCF-style (leftmost placement, unchanged base first): chr17-63494065-AG-A. GRCh37 (hg19) VCF-style: chr17-61571426-AG-A.
Other names: c.2429+1del (NM_001382701.1); c.2714+1del (NM_001382700.1); c.1559+1del (NM_152830.3, NM_001178057.2); c.1019+1del (NM_001382702.1).
Identifiers: ClinVar variation 4085539 (VCV004085539.8).

ClinVar aggregate classification (germline): Pathogenic (1 of 4 stars; one submission).

Submission:

CeGaT Center for Human Genetics Tuebingen
Classification: Pathogenic. Last evaluated: 2025-07-01. Review status: criteria provided, single submitter. Criteria: CeGaT Center For Human Genetics Tuebingen Variant Classification Criteria Version 2. Collection method: clinical testing. Allele origin: germline. Affected: yes. Observed: 1 variant allele.
Comment: ACE: PVS1, PM2, PP4